The following is an entry in ClinVar:

ClinVar aggregate classification (germline): Uncertain significance (1 of 4 stars; one submission).

Conditions:
Early-infantile DEE. Also called: Ohtahara syndrome; Early infantile epileptic encephalopathy with suppression bursts; Early infantile epileptic encephalopathy. Identifiers: Orphanet 1934, MedGen C0393706, MONDO:0800491.

gnomAD v4.1: 1 of 1,614,104 alleles (0.000062%); highest among the groups gnomAD compares: Non-Finnish European, 0.000085%; no homozygotes.

Submission:

Labcorp Genetics (formerly Invitae), Labcorp
Classification: Uncertain significance for Early-infantile DEE. Last evaluated: 2024-03-25. Review status: criteria provided, single submitter. Criteria: Invitae Variant Classification Sherloc (09022015). Collection method: clinical testing. Allele origin: germline.
Comment: This sequence change replaces asparagine, which is neutral and polar, with threonine, which is neutral and polar, at codon 1839 of the SPTAN1 protein (p.Asn1839Thr). This variant is not present in population databases (gnomAD no frequency). This variant has not been reported in the literature in individuals affected with SPTAN1-related conditions. Advanced modeling of protein sequence and biophysical properties (such as structural, functional, and spatial information, amino acid conservation, physicochemical variation, residue mobility, and thermodynamic stability) has been performed at Invitae for this missense variant, however the output from this modeling did not meet the statistical confidence thresholds required to predict the impact of this variant on SPTAN1 protein function. In summary, the available evidence is currently insufficient to determine the role of this variant in disease. Therefore, it has been classified as a Variant of Uncertain Significance.

NM_001130438.3(SPTAN1):c.5516A>C (p.Asn1839Thr)

Gene: SPTAN1 (spectrin alpha, non-erythrocytic 1; plus strand). Cytogenetic location: 9q34.11.
Variant type: single nucleotide variant.
Coding change: c.5516A>C on transcript NM_001130438.3 (MANE Select); coding-DNA position 5516, A replaced by C.
Protein change: p.Asn1839Thr; replaces asparagine 1839 with threonine.
Molecular consequence: missense variant.
Genome position (GRCh38, 1-based): chr9:128,618,024, A>C. VCF-style: chr9-128618024-A-C. GRCh37 (hg19) VCF-style: chr9-131380303-A-C.
Other names: c.5441A>C, p.Asn1814Thr (NM_001195532.2); c.5516A>C, p.Asn1839Thr (NM_001363759.2, NM_001375310.1, NM_001375311.2 and 1 more transcripts); c.5456A>C, p.Asn1819Thr (NM_001363765.2, NM_001375314.2); c.5552A>C, p.Asn1851Thr (NM_001375312.2, NM_001375318.1); c.5501A>C, p.Asn1834Thr (NM_003127.4); short protein forms N1834T, N1819T, N1814T, N1851T, N1839T.
Identifiers: ClinVar variation 3681996 (VCV003681996.2).
Genomic context (GRCh38, chr9:128,618,024, plus strand): 5'-ACCTCCTCGTCCTTGCCTGTCAGGGTGTCCTGGACACTGGCAAGAAGCTGTCCGATGACA[A>C]CACCATCGGGAAAGAGGAGATCCAGCAGCGGCTGGCGCAGTTTGTGGAGCACTGGAAAGA-3'
Protein context (NP_001123910.1, residues 1829-1849): LDTGKKLSDD[Asn1839Thr]TIGKEEIQQR